The following is an entry in ClinVar:

NM_014423.4(AFF4):c.2260A>G (p.Lys754Glu)

Gene: AFF4 (ALF transcription elongation factor 4; minus strand). Cytogenetic location: 5q31.1.
Variant type: single nucleotide variant.
Coding change: c.2260A>G on transcript NM_014423.4 (MANE Select); coding-DNA position 2260, A replaced by G.
Protein change: p.Lys754Glu; replaces lysine 754 with glutamic acid.
Molecular consequence: missense variant.
Genome position (GRCh38, 1-based): chr5:132,896,370, T>C on the plus strand (A>G on the coding strand, the complement: AFF4 is on the minus strand). VCF-style: chr5-132896370-T-C. GRCh37 (hg19) VCF-style: chr5-132232062-T-C.
Other names: short protein forms K754E.
Identifiers: ClinVar variation 1013269 (VCV001013269.39), dbSNP rs752670107, ClinGen allele CA3408979.

ClinVar aggregate classification (germline): Uncertain significance. Review status: criteria provided, multiple submitters, no conflicts (2 of 4 stars). 2 submissions from 2 submitters: Uncertain significance (2). Last evaluated 2025-05-26.

Conditions:
Cognitive impairment - coarse facies - heart defects - obesity - pulmonary involvement - short stature - skeletal dysplasia syndrome. Also called: COGNITIVE IMPAIRMENT, COARSE FACIES, HEART DEFECTS, OBESITY, PULMONARY INVOLVEMENT, SHORT STATURE, AND SKELETAL DYSPLASIA; AFF4-Related CHOPS Syndrome; Chops syndrome. Identifiers: Orphanet 444077, MedGen C4085597, MONDO:0014609, OMIM 616368.

Allele frequency attached by ClinVar (database versions not stated): gnomAD exomes below 0.00001; ExAC 0.00001.
gnomAD v4.1: 3 of 1,607,858 alleles (0.00019%); highest among the groups gnomAD compares: Non-Finnish European, 0.00025%; no homozygotes.

Submissions (2):

Labcorp Genetics (formerly Invitae), Labcorp
Classification: Uncertain significance for Cognitive impairment - coarse facies - heart defects - obesity - pulmonary involvement - short stature - skeletal dysplasia syndrome. Last evaluated: 2025-05-26. Review status: criteria provided, single submitter. Criteria: Invitae Variant Classification Sherloc (09022015). Collection method: clinical testing. Allele origin: germline.
Comment: This sequence change replaces lysine, which is basic and polar, with glutamic acid, which is acidic and polar, at codon 754 of the AFF4 protein (p.Lys754Glu). This variant is present in population databases (rs752670107, gnomAD 0.0009%). This variant has not been reported in the literature in individuals affected with AFF4-related conditions. ClinVar contains an entry for this variant (Variation ID: 1013269). Invitae Evidence Modeling of protein sequence and biophysical properties (such as structural, functional, and spatial information, amino acid conservation, physicochemical variation, residue mobility, and thermodynamic stability) indicates that this missense variant is not expected to disrupt AFF4 protein function with a negative predictive value of 80%. In summary, the available evidence is currently insufficient to determine the role of this variant in disease. Therefore, it has been classified as a Variant of Uncertain Significance.

CeGaT Center for Human Genetics Tuebingen
Classification: Uncertain significance. Last evaluated: 2020-07-01. Review status: criteria provided, single submitter. Criteria: CeGaT Center For Human Genetics Tuebingen Variant Classification Criteria Version 2. Collection method: clinical testing. Allele origin: germline. Affected: yes. Observed: 1 variant allele.